The following is an entry in ClinVar:

ClinVar aggregate classification (germline): Pathogenic (1 of 4 stars; one submission).

Conditions:
Joubert syndrome 21 (JBTS21). Identifiers: MedGen C3810212, MONDO:0014288, OMIM 615636.

Submission:

Labcorp Genetics (formerly Invitae), Labcorp
Classification: Pathogenic for Joubert syndrome 21. Last evaluated: 2025-03-14. Review status: criteria provided, single submitter. Criteria: Invitae Variant Classification Sherloc (09022015). Collection method: clinical testing. Allele origin: germline.
Comment: This sequence change creates a premature translational stop signal (p.Gly113*) in the CSPP1 gene. It is expected to result in an absent or disrupted protein product. Loss-of-function variants in CSPP1 are known to be pathogenic (PMID: 24360807, 24360808). This variant is not present in population databases (gnomAD no frequency). This variant has not been reported in the literature in individuals affected with CSPP1-related conditions. For these reasons, this variant has been classified as Pathogenic.

Literature cited by the submitters: PubMed 24360807; PubMed 24360808.

NM_001382391.1(CSPP1):c.229G>T (p.Gly77Ter)

Gene: CSPP1 (centrosome and spindle pole associated protein 1; plus strand). Cytogenetic location: 8q13.1.
Variant type: single nucleotide variant.
Coding change: c.229G>T on transcript NM_001382391.1 (MANE Select); coding-DNA position 229, G replaced by T.
Protein change: p.Gly77Ter; replaces glycine 77 with a stop codon.
Molecular consequence: nonsense. On other transcripts: 5 prime UTR variant (1).
Genome position (GRCh38, 1-based): chr8:67,086,036, G>T. VCF-style: chr8-67086036-G-T. GRCh37 (hg19) VCF-style: chr8-67998271-G-T.
Other names: c.-546G>T (NM_001291339.2); c.229G>T, p.Gly77Ter (NM_001363131.2, NM_001363132.2, NM_001363133.2); c.337G>T, p.Gly113Ter (NM_001364869.1, NM_001364870.1, NM_024790.7); short protein forms G113*, G77*.
Identifiers: ClinVar variation 3657081 (VCV003657081.2).